The following is an entry in ClinVar:

ClinVar aggregate classification (germline): Uncertain significance (1 of 4 stars; one submission).

Conditions:
Hereditary cancer-predisposing syndrome. Also called: Hereditary neoplastic syndrome; Neoplastic Syndromes, Hereditary; Tumor predisposition; Hereditary Cancer Syndrome. Identifiers: Orphanet 140162, MedGen C0027672, MeSH D009386, MONDO:0015356.

Submission:

Ambry Genetics
Classification: Uncertain significance for Hereditary cancer-predisposing syndrome. Last evaluated: 2025-07-13. Review status: criteria provided, single submitter. Criteria: Ambry Variant Classification Scheme 2023. Collection method: clinical testing. Allele origin: germline.
Comment: The p.R1239L variant (also known as c.3716G>T), located in coding exon 22 of the PTCH1 gene, results from a G to T substitution at nucleotide position 3716. The arginine at codon 1239 is replaced by leucine, an amino acid with dissimilar properties. This amino acid position is conserved. In addition, this alteration is predicted to be tolerated by in silico analysis. Based on the available evidence, the clinical significance of this variant remains unclear.

NM_000264.5(PTCH1):c.3716G>T (p.Arg1239Leu)

Gene: PTCH1 (patched 1; minus strand). Cytogenetic location: 9q22.32.
Variant type: single nucleotide variant.
Coding change: c.3716G>T on transcript NM_000264.5 (MANE Select); coding-DNA position 3716, G replaced by T.
Protein change: p.Arg1239Leu; replaces arginine 1239 with leucine.
Molecular consequence: missense variant. On other transcripts: non-coding transcript variant (1).
Genome position (GRCh38, 1-based): chr9:95,449,157, C>A on the plus strand (G>T on the coding strand, the complement: PTCH1 is on the minus strand). VCF-style: chr9-95449157-C-A. GRCh37 (hg19) VCF-style: chr9-98211439-C-A.
Other names: c.3518G>T, p.Arg1173Leu (NM_001083602.3); c.3713G>T, p.Arg1238Leu (NM_001083603.3); c.3263G>T, p.Arg1088Leu (NM_001083604.3, NM_001083605.3, NM_001083606.3 and 1 more transcripts); c.3560G>T, p.Arg1187Leu (NM_001354918.2); short protein forms R1239L, R1238L, R1088L, R1173L, R1187L.
Identifiers: ClinVar variation 4146866 (VCV004146866.1).